The following is an entry in ClinVar:

ClinVar aggregate classification (germline): Benign. Review status: criteria provided, multiple submitters, no conflicts (2 of 4 stars). 5 submissions from 5 submitters: Benign (5). Last evaluated 2026-01-28.

Conditions:
Transcobalamin I deficiency (TCN1D). Also called: COBALAMIN PSEUDODEFICIENCY DUE TO TRANSCOBALAMIN DEFICIENCY; COBALAMIN R BINDER PROTEIN DEFICIENCY; TCN1 DEFICIENCY. Identifiers: Orphanet 2967, MedGen C0342700, MONDO:0008659, OMIM 193090.

Allele frequency attached by ClinVar (database versions not stated): 1000 Genomes Project 30x 0.05778; TOPMed 0.08558; gnomAD exomes 0.08561 and 0.10105; ExAC 0.08735; gnomAD 0.08940 and 0.09123; ESP Exome Variant Server 0.09914; 1000 Genomes Project 0.05232.

Submissions (5):

Labcorp Genetics (formerly Invitae), Labcorp
Classification: Benign for Transcobalamin I deficiency. Last evaluated: 2026-01-28. Review status: criteria provided, single submitter. Criteria: Invitae Variant Classification Sherloc (09022015). Collection method: clinical testing. Allele origin: germline.

ARUP Laboratories, Molecular Genetics and Genomics, ARUP Laboratories
Classification: Benign. Last evaluated: 2023-11-29. Review status: criteria provided, single submitter. Criteria: ARUP Molecular Germline Variant Investigation Process 2024. Collection method: clinical testing. Allele origin: germline.

GeneDx
Classification: Benign. Last evaluated: 2021-05-05. Review status: criteria provided, single submitter. Criteria: GeneDx Variant Classification Process June 2021. Collection method: clinical testing. Allele origin: germline. Affected: yes.
Comment: This variant is associated with the following publications: (PMID: 30626930, 28334792, 23754956, 30041674, 27884173)

Mayo Clinic Laboratories, Mayo Clinic
Classification: Benign. Last evaluated: 2021-04-07. Review status: criteria provided, single submitter. Criteria: ACMG Guidelines, 2015. Collection method: clinical testing. Allele origin: germline. Observed: 19 variant alleles.

Breakthrough Genomics
Classification: Benign. Review status: criteria provided, single submitter. Criteria: ACMG Guidelines, 2015. Collection method: not provided. Allele origin: germline. Inheritance: Unknown mechanism. Affected: yes.

NM_001062.4(TCN1):c.901G>T (p.Asp301Tyr)

Gene: TCN1 (transcobalamin 1; minus strand). Cytogenetic location: 11q12.1.
Variant type: single nucleotide variant.
Coding change: c.901G>T on transcript NM_001062.4 (MANE Select); coding-DNA position 901, G replaced by T.
Protein change: p.Asp301Tyr; replaces aspartic acid 301 with tyrosine.
Molecular consequence: missense variant.
Genome position (GRCh38, 1-based): chr11:59,855,905, C>A on the plus strand (G>T on the coding strand, the complement: TCN1 is on the minus strand). VCF-style: chr11-59855905-C-A. GRCh37 (hg19) VCF-style: chr11-59623378-C-A.
Other names: short protein forms D301Y.
Identifiers: ClinVar variation 440322 (VCV000440322.26), dbSNP rs34324219, ClinGen allele CA6021868.